The following is an entry in ClinVar:

ClinVar aggregate classification (germline): Pathogenic. Review status: criteria provided, multiple submitters, no conflicts (2 of 4 stars). 4 submissions from 4 submitters: Pathogenic (3). 1 of the submissions does not count toward it. Last evaluated 2025-09-12.

Conditions:
Metaphyseal chondrodysplasia, McKusick type (CHH). Also called: Cartilage-Hair Hypoplasia (CHH); Cartilage-hair hypoplasia. Identifiers: Orphanet 175, MedGen C0220748, MONDO:0009595, OMIM 250250.
Skeletal dysplasia. Also called: Primary bone dysplasia. Identifiers: Orphanet 364526, MedGen C0410528, MONDO:0018230, HP:0002652.
Anauxetic dysplasia. Identifiers: Orphanet 93347, MedGen C1846796, MONDO:0011773.

Submissions (4):

Natera, Inc.
Classification: Pathogenic for Cartilage-hair hypoplasia. Last evaluated: 2025-09-12. Review status: criteria provided, single submitter. Criteria: Natera Variant Classification Schema (03/2026). Collection method: clinical testing. Allele origin: germline.
Comment: The n.-13_1dupAAGCTGAGGACGTG variant in RMRP is a duplication affecting the RMRP promoter region between the TATA box and the transcription initiation site. Other duplications and insertions just upstream of the transcription initiation site have been reported in individuals affected with cartilage-hair hypoplasia (PMID: 11207361, 17937437). This variant is rare in the general population with a frequency below the threshold expected for the associated phenotype(s). This variant has been observed in one or more individuals affected with the associated recessive disease, as either homozygous or compound heterozygous with a second variant (PMID: 12107819, 32021596, 38337186). Given the available evidence, this variant is classified as Pathogenic.

Labcorp Genetics (formerly Invitae), Labcorp
Classification: Pathogenic for Anauxetic dysplasia. Last evaluated: 2024-01-02. Review status: criteria provided, single submitter. Criteria: Invitae Variant Classification Sherloc (09022015). Collection method: clinical testing. Allele origin: germline.
Comment: This variant occurs in the RMRP gene, which encodes an RNA molecule that does not result in a protein product. This variant is present in population databases (no rsID available, gnomAD 0.004%). This variant has been observed in individuals with cartilage-hair hypoplasia anauxetic dysplasia (CHH-AD) spectrum disorders (PMID: 12107819). Other insertions and duplications immediately upstream of the coding sequence have been reported in individuals affected with cartilage-hair hypoplasia-anauxetic dysplasia (CHH-AD) spectrum disorders (PMID: 16244706, 11207361, 12107819). This variant is also known as dup AAGCTGAGGACGTG at 1. While functional studies for this variant have not been reported, experimental analyses using patient derived cells, as well as in vitro transfection studies, have shown that promoter insertions result in silencing of RMRP transcription and reduced expression of the gene product (PMID: 11207361, 16254002). For these reasons, this variant has been classified as Pathogenic.

Women's Health and Genetics/Laboratory Corporation of America, LabCorp
Classification: Pathogenic for Metaphyseal chondrodysplasia, McKusick type. Last evaluated: 2018-12-07. Review status: criteria provided, single submitter. Criteria: LabCorp Variant Classification Summary - May 2015. Collection method: clinical testing. Allele origin: germline.
Comment: Variant summary: RMRP n.-13_1dup14 variant involves the duplication of 8 nucleotides in the promoter region of RMRP, which is located between the TATA box (-33 to -25) and the transcription initiation site. Multiple duplication variants in this promoter region have been reported pathogenic (internally and in HGMD). The variant allele was found at a frequency of 8.1e-06 in 123146 control chromosomes (gnomAD). This frequency is not significantly higher than expected for a pathogenic variant in RMRP causing Cartilage-Hair Hypoplasia (8.1e-06 vs 0.0072), allowing no conclusion about variant significance. The variant, n.-13_1dup14, has been reported in the literature in one individual affected with Cartilage-Hair Hypoplasia, together with the founder mutation c.70A>G (Ridanpaa_2002). To our knowledge, no experimental evidence demonstrating an impact on protein function has been reported. No clinical diagnostic laboratories have submitted clinical-significance assessments for this variant to ClinVar after 2014. Based on the evidence outlined above, the variant was classified as pathogenic.

Clinical Genetics Laboratory, Skane University Hospital Lund
Classification: Likely pathogenic for Skeletal dysplasia. Last evaluated: 2026-01-09. Review status: no assertion criteria provided. Collection method: clinical testing. Allele origin: germline. Affected: yes. Not counted in ClinVar's aggregate classification.
Comment: Assessed according to the ClinGen Severe Combined Immunodeficiency Disease Expert Panel Specifications to the ACMG/AMP Variant Interpretation Guidelines for RMRP Version 1.1.0. Applied criteria: PM1_strong, PM2_supporting, PM3, PM4.

Literature cited by the submitters: PubMed 11207361 (cited by Natera, Inc. and Labcorp Genetics (formerly Invitae), Labcorp); PubMed 17937437 (cited by Natera, Inc.); PubMed 12107819 (cited by 3 submitters); PubMed 32021596 (cited by Natera, Inc.); PubMed 38337186 (cited by Natera, Inc.); PubMed 16244706 (cited by Labcorp Genetics (formerly Invitae), Labcorp); PubMed 16254002 (cited by Labcorp Genetics (formerly Invitae), Labcorp).

NR_003051.3(RMRP):n.-13_1dupAAGCTGAGGACGTG

Gene: RMRP (RNA component of mitochondrial RNA processing endoribonuclease; minus strand). Cytogenetic location: 9p13.3.
Variant type: Duplication.
Genome position: GRCh38 VCF-style: chr9-35658017-C-CCACGTCCTCAGCTT. GRCh37 (hg19) VCF-style: chr9-35658014-C-CCACGTCCTCAGCTT.
Identifiers: ClinVar variation 633396 (VCV000633396.11), dbSNP rs1554651373, ClinGen allele CA587570185.